The following is an entry in ClinVar:

NM_007294.3(BRCA1):c.4987-?_5074+?del

Gene: BRCA1 (BRCA1 DNA repair associated; minus strand). Cytogenetic location: 17q21.31.
Variant type: Deletion.
Coding change: c.4987-?_5074+?del on transcript NM_007294.3.
Other names: :Deletion Exon 16; c.4987-?_5074+?del (LRG_292t1).
Identifiers: ClinVar variation 89067 (VCV000089067.4).

ClinVar aggregate classification (germline): Pathogenic. Review status: criteria provided, multiple submitters, no conflicts (2 of 4 stars). 3 submissions from 3 submitters: Pathogenic (3). Last evaluated 2016-11-20.

Conditions:
Familial cancer of breast. Also called: hereditary breast carcinoma; BREAST CANCER, FAMILIAL; Hereditary breast cancer. Identifiers: Orphanet 227535, MedGen C0346153, MONDO:0016419, OMIM 114480. Disease mechanism: loss of function.
Breast-ovarian cancer, familial, susceptibility to, 1 (BROVCA1). Also called: BRCA1 Hereditary Breast and Ovarian Cancer; OVARIAN CANCER, SUSCEPTIBILITY TO. Identifiers: Orphanet 145, MedGen C2676676, MONDO:0011450, OMIM 604370. Disease mechanism: loss of function.
Hereditary breast ovarian cancer syndrome. Also called: BRCA1- and BRCA2-Associated Hereditary Breast and Ovarian Cancer; Hereditary breast and ovarian cancer syndrome; Hereditary breast and ovarian cancer syndrome (HBOC); Breast and ovarian cancer; Hereditary breast and/or ovarian cancer syndrome; Hereditary breast and ovarian cancer. Identifiers: Orphanet 145, MedGen C0677776, MeSH D061325, MONDO:0003582. Disease mechanism: loss of function.

Submissions (3):

Labcorp Genetics (formerly Invitae), Labcorp
Classification: Pathogenic for Hereditary breast ovarian cancer syndrome. Last evaluated: 2016-11-20. Review status: criteria provided, single submitter. Criteria: Invitae Variant Classification Sherloc (09022015). Collection method: clinical testing. Allele origin: germline.
Comment: This variant is a gross deletion of the genomic region encompassing exon 16 of the BRCA1 gene. This is predicted to create a premature translational stop signal and is expected to result in an absent or disrupted protein product. Truncating variants in BRCA1 are known to be pathogenic. Deletions of exon 16 have been reported in multiple families affected with hereditary breast and ovarian cancer (PMID: 16715518, 16551709, 10435598, 18431737). Exon 16 is also known as exon 17 in the literature. For these reasons, this variant has been classified as Pathogenic.

Consortium of Investigators of Modifiers of BRCA1/2 (CIMBA), c/o University of Cambridge
Classification: Pathogenic for Breast-ovarian cancer, familial, susceptibility to, 1. Last evaluated: 2015-10-02. Review status: criteria provided, single submitter. Criteria: CIMBA Mutation Classification guidelines May 2016. Collection method: clinical testing. Allele origin: germline.

GeneDx
Classification: Pathogenic for Familial cancer of breast. Review status: criteria provided, single submitter. Criteria: GeneDx Variant Classification (06012015). Collection method: clinical testing. Allele origin: germline.
Comment: whole or partial BRCA1 and BRCA2 large deletions or duplications have been reported in approximately 6-10% of individuals with a BRCA-associated Hereditary Breast and Ovarian Cancer (Judkins 2012)